The following is an entry in ClinVar:

NM_001453.3(FOXC1):c.32A>G (p.Asn11Ser)

Gene: FOXC1 (forkhead box C1; plus strand). Cytogenetic location: 6p25.3.
Variant type: single nucleotide variant.
Coding change: c.32A>G on transcript NM_001453.3 (MANE Select); coding-DNA position 32, A replaced by G.
Protein change: p.Asn11Ser; replaces asparagine 11 with serine.
Molecular consequence: missense variant.
Genome position (GRCh38, 1-based): chr6:1,610,477, A>G. VCF-style: chr6-1610477-A-G. GRCh37 (hg19) VCF-style: chr6-1610712-A-G.
Other names: short protein forms N11S.
Identifiers: ClinVar variation 1398433 (VCV001398433.8), dbSNP rs1311597906, ClinGen allele CA362557932.

ClinVar aggregate classification (germline): Uncertain significance (1 of 4 stars; one submission).

Conditions:
Axenfeld-Rieger syndrome type 3 (RIEG3). Also called: AXENFELD-RIEGER ANOMALY WITH CARDIAC DEFECTS AND/OR SENSORINEURAL HEARING LOSS. Identifiers: Orphanet 782, MedGen C2678503, MONDO:0011233, OMIM 602482.

Allele frequency attached by ClinVar (database versions not stated): gnomAD 0.00001; gnomAD exomes 0.00001; TOPMed 0.00002; 1000 Genomes Project 30x 0.00016.
gnomAD v4.1: 20 of 1,475,002 alleles (0.0014%); highest among the groups gnomAD compares: South Asian, 0.0042%; no homozygotes.

Submission:

Labcorp Genetics (formerly Invitae), Labcorp
Classification: Uncertain significance for Axenfeld-Rieger syndrome type 3. Last evaluated: 2024-01-11. Review status: criteria provided, single submitter. Criteria: Invitae Variant Classification Sherloc (09022015). Collection method: clinical testing. Allele origin: germline.
Comment: This sequence change replaces asparagine, which is neutral and polar, with serine, which is neutral and polar, at codon 11 of the FOXC1 protein (p.Asn11Ser). This variant is not present in population databases (gnomAD no frequency). This variant has not been reported in the literature in individuals affected with FOXC1-related conditions. ClinVar contains an entry for this variant (Variation ID: 1398433). An algorithm developed to predict the effect of missense changes on protein structure and function (PolyPhen-2) suggests that this variant is likely to be tolerated. In summary, the available evidence is currently insufficient to determine the role of this variant in disease. Therefore, it has been classified as a Variant of Uncertain Significance.